The following is an entry in ClinVar:

ClinVar aggregate classification (germline): Pathogenic (1 of 4 stars; one submission).

Conditions:
Osteogenesis imperfecta type 8 (OI8). Identifiers: MedGen C1970458, MONDO:0012581, OMIM 610915.

gnomAD v4.1: 1 of 1,613,862 alleles (0.000062%); highest among the groups gnomAD compares: Non-Finnish European, 0.000085%; no homozygotes.

Submission:

Labcorp Genetics (formerly Invitae), Labcorp
Classification: Pathogenic for Osteogenesis imperfecta type 8. Last evaluated: 2025-10-13. Review status: criteria provided, single submitter. Criteria: Invitae Variant Classification Sherloc (09022015). Collection method: clinical testing. Allele origin: germline.
Comment: This sequence change affects a donor splice site in intron 14 of the P3H1 gene. While this variant is not anticipated to result in nonsense mediated decay, it likely alters RNA splicing and results in a disrupted protein product. This variant is not present in population databases (gnomAD no frequency). This variant has not been reported in the literature in individuals affected with P3H1-related conditions. Variants that disrupt the consensus splice site are a relatively common cause of aberrant splicing (PMID: 17576681, 9536098). Algorithms developed to predict the effect of sequence changes on RNA splicing suggest that this variant may disrupt the consensus splice site. This variant disrupts a region of the P3H1 protein in which other variant(s) (p.Glu719Argfs*11) have been determined to be pathogenic (PMID: 22615817). This suggests that this is a clinically significant region of the protein, and that variants that disrupt it are likely to be disease-causing. For these reasons, this variant has been classified as Pathogenic.

Literature cited by the submitters: PubMed 17576681; PubMed 9536098; PubMed 22615817.

NM_022356.4(P3H1):c.2055+1G>C

Gene: P3H1 (prolyl 3-hydroxylase 1; minus strand). Cytogenetic location: 1p34.2.
Variant type: single nucleotide variant.
Coding change: c.2055+1G>C on transcript NM_022356.4 (MANE Select); the canonical splice donor site of the intron after coding-DNA position 2055, G replaced by C.
Molecular consequence: splice donor variant. On other transcripts: missense variant (2).
Genome position (GRCh38, 1-based): chr1:42,747,271, C>G on the plus strand (G>C on the coding strand, the complement: P3H1 is on the minus strand). VCF-style: chr1-42747271-C-G. GRCh37 (hg19) VCF-style: chr1-43212942-C-G.
Other names: c.2056G>C, p.Val686Leu (NM_001146289.2, NM_001243246.2); short protein forms V686L.
Identifiers: ClinVar variation 4703529 (VCV004703529.2).